The following is an entry in ClinVar:

ClinVar aggregate classification (germline): Pathogenic (1 of 4 stars; one submission).

Conditions:
Alstrom syndrome (ALMS). Identifiers: Orphanet 64, MedGen C0268425, MONDO:0008763, OMIM 203800.

Submission:

Labcorp Genetics (formerly Invitae), Labcorp
Classification: Pathogenic for Alstrom syndrome. Last evaluated: 2021-12-24. Review status: criteria provided, single submitter. Criteria: Invitae Variant Classification Sherloc (09022015). Collection method: clinical testing. Allele origin: germline.
Comment: This sequence change creates a premature translational stop signal (p.Gln705*) in the ALMS1 gene. It is expected to result in an absent or disrupted protein product. Loss-of-function variants in ALMS1 are known to be pathogenic (PMID: 17594715). This variant is not present in population databases (gnomAD no frequency). This variant has not been reported in the literature in individuals affected with ALMS1-related conditions. For these reasons, this variant has been classified as Pathogenic.

Literature cited by the submitters: PubMed 17594715.

NM_001378454.1(ALMS1):c.2110C>T (p.Gln704Ter)

Gene: ALMS1 (ALMS1 centrosome and basal body associated protein; plus strand). Cytogenetic location: 2p13.1.
Variant type: single nucleotide variant.
Coding change: c.2110C>T on transcript NM_001378454.1 (MANE Select); coding-DNA position 2110, C replaced by T.
Protein change: p.Gln704Ter; replaces glutamine 704 with a stop codon.
Molecular consequence: nonsense.
Genome position (GRCh38, 1-based): chr2:73,448,637, C>T. VCF-style: chr2-73448637-C-T. GRCh37 (hg19) VCF-style: chr2-73675764-C-T.
Other names: c.2113C>T, p.Gln705Ter (NM_015120.4); short protein forms Q704*, Q705*.
Identifiers: ClinVar variation 1978236 (VCV001978236.4), dbSNP rs1162425274, ClinGen allele CA347266728.